The following is an entry in ClinVar:

ClinVar aggregate classification (germline): Uncertain significance. Review status: criteria provided, multiple submitters, no conflicts (2 of 4 stars). 2 submissions from 2 submitters: Uncertain significance (2). Last evaluated 2025-09-19.

Allele frequency attached by ClinVar (database versions not stated): gnomAD exomes 0.00002; ExAC 0.00004; TOPMed 0.00008; gnomAD 0.00009; 1000 Genomes Project 0.00040; 1000 Genomes Project 30x 0.00047.
gnomAD v4.1: 43 of 1,613,922 alleles (0.0027%); highest among the groups gnomAD compares: Admixed American, 0.012%; no homozygotes.

Submissions (2):

GeneDx
Classification: Uncertain significance. Last evaluated: 2025-09-19. Review status: criteria provided, single submitter. Criteria: GeneDx Variant Classification Process June 2021. Collection method: clinical testing. Allele origin: germline. Affected: yes.
Comment: In silico analysis suggests that this missense variant does not alter protein structure/function; Has not been previously published as pathogenic or benign to our knowledge

Blueprint Genetics
Classification: Uncertain significance. Last evaluated: 2023-09-26. Review status: criteria provided, single submitter. Criteria: ACMG Guidelines, 2015. Collection method: clinical testing. Allele origin: germline.

NM_015404.4(WHRN):c.1619C>T (p.Ser540Leu)

Gene: WHRN (whirlin; minus strand). Cytogenetic location: 9q32.
Variant type: single nucleotide variant.
Coding change: c.1619C>T on transcript NM_015404.4 (MANE Select); coding-DNA position 1619, C replaced by T.
Protein change: p.Ser540Leu; replaces serine 540 with leucine.
Molecular consequence: missense variant.
Genome position (GRCh38, 1-based): chr9:114,423,321, G>A on the plus strand (C>T on the coding strand, the complement: WHRN is on the minus strand). VCF-style: chr9-114423321-G-A. GRCh37 (hg19) VCF-style: chr9-117185601-G-A.
Other names: c.470C>T, p.Ser157Leu (NM_001083885.3); c.1619C>T, p.Ser540Leu (NM_001173425.2); c.566C>T, p.Ser189Leu (NM_001346890.1); short protein forms S157L, S189L, S540L.
Identifiers: ClinVar variation 2575779 (VCV002575779.4), dbSNP rs201337534, ClinGen allele CA5205892.